The following is an entry in ClinVar:

NC_000006.11:g.(?_88251616)_(88251732_?)del

Gene: RARS2 (arginyl-tRNA synthetase 2, mitochondrial; minus strand). Cytogenetic location: 6q15.
Variant type: Deletion.
Identifiers: ClinVar variation 3246226 (VCV003246226.1).

ClinVar aggregate classification (germline): Pathogenic (1 of 4 stars; one submission).

Submission:

Labcorp Genetics (formerly Invitae), Labcorp
Classification: Pathogenic. Last evaluated: 2023-10-17. Review status: criteria provided, single submitter. Criteria: Invitae Variant Classification Sherloc (09022015). Collection method: clinical testing. Allele origin: unknown.
Comment: This variant is a gross deletion of the genomic region encompassing exon(s) 8 of the RARS2 gene. This deletion is out-of-frame, and is expected to create a premature termination codon and result in an absent or disrupted protein product. Loss-of-function variants in RARS2 are known to be pathogenic (PMID: 17847012, 22569581, 26083569). This variant has not been reported in the literature in individuals affected with RARS2-related conditions. For these reasons, this variant has been classified as Pathogenic.

Literature cited by the submitters: PubMed 17847012; PubMed 22569581; PubMed 26083569.